The following is an entry in ClinVar:

NM_001371986.1(UNC80):c.6466-2A>G

Gene: UNC80 (unc-80 subunit of NALCN channel complex; plus strand). Cytogenetic location: 2q34.
Variant type: single nucleotide variant.
Coding change: c.6466-2A>G on transcript NM_001371986.1 (MANE Select); the canonical splice acceptor site of the intron before coding-DNA position 6466, A replaced by G.
Molecular consequence: splice acceptor variant.
Genome position (GRCh38, 1-based): chr2:209,939,470, A>G. VCF-style: chr2-209939470-A-G. GRCh37 (hg19) VCF-style: chr2-210804194-A-G.
Other names: c.6268-2A>G (NM_032504.2); c.6253-2A>G (NM_182587.4).
Identifiers: ClinVar variation 4804650 (VCV004804650.1).

ClinVar aggregate classification (germline): Likely pathogenic (1 of 4 stars; one submission).

Submission:

Labcorp Genetics (formerly Invitae), Labcorp
Classification: Likely pathogenic. Last evaluated: 2025-06-01. Review status: criteria provided, single submitter. Criteria: Invitae Variant Classification Sherloc (09022015). Collection method: clinical testing. Allele origin: germline.
Comment: This sequence change affects an acceptor splice site in intron 41 of the UNC80 gene. It is expected to disrupt RNA splicing. Variants that disrupt the donor or acceptor splice site typically lead to a loss of protein function (PMID: 16199547), and loss-of-function variants in UNC80 are known to be pathogenic (PMID: 26545877, 26708751, 26708753). This variant is not present in population databases (gnomAD no frequency). This variant has not been reported in the literature in individuals affected with UNC80-related conditions. Algorithms developed to predict the effect of sequence changes on RNA splicing suggest that this variant may disrupt the consensus splice site. In summary, the currently available evidence indicates that the variant is pathogenic, but additional data are needed to prove that conclusively. Therefore, this variant has been classified as Likely Pathogenic.

Literature cited by the submitters: PubMed 16199547; PubMed 26545877; PubMed 26708751; PubMed 26708753.